The following is an entry in ClinVar:

ClinVar aggregate classification (germline): Conflicting classifications of pathogenicity. Review status: criteria provided, conflicting classifications (1 of 4 stars). 3 submissions from 3 submitters: Pathogenic (1); Likely pathogenic (1); Uncertain significance (1). Last evaluated 2024-07-11.

Conditions:
Tubulinopathy. Also called: Tubulinopathies. Identifiers: MedGen CN850169, MONDO:0100153.

Submissions (3):

GeneDx
Classification: Pathogenic. Last evaluated: 2024-07-11. Review status: criteria provided, single submitter. Criteria: GeneDx Variant Classification Process June 2021. Collection method: clinical testing. Allele origin: germline. Affected: yes.
Comment: Not observed at significant frequency in large population cohorts (gnomAD); Missense variants in this gene are often considered pathogenic (HGMD); In silico analysis supports that this missense variant has a deleterious effect on protein structure/function; Has not been previously published as pathogenic or benign to our knowledge

Labcorp Genetics (formerly Invitae), Labcorp
Classification: Uncertain significance. Last evaluated: 2022-08-31. Review status: criteria provided, single submitter. Criteria: Invitae Variant Classification Sherloc (09022015). Collection method: clinical testing. Allele origin: germline.
Comment: In summary, the available evidence is currently insufficient to determine the role of this variant in disease. Therefore, it has been classified as a Variant of Uncertain Significance. Algorithms developed to predict the effect of missense changes on protein structure and function (SIFT, PolyPhen-2, Align-GVGD) all suggest that this variant is likely to be disruptive. This variant has not been reported in the literature in individuals affected with TUBA1A-related conditions. ClinVar contains an entry for this variant (Variation ID: 429321). This variant is not present in population databases (gnomAD no frequency). This sequence change replaces glycine, which is neutral and non-polar, with arginine, which is basic and polar, at codon 143 of the TUBA1A protein (p.Gly143Arg).

Institute of Human Genetics, FAU Erlangen, Friedrich-Alexander-Universität Erlangen-Nürnberg
Classification: Likely pathogenic for Tubulinopathies. Last evaluated: 2018-07-01. Review status: criteria provided, single submitter. Criteria: ACMG Guidelines, 2015. Collection method: literature only. Allele origin: germline. Affected: yes. Observed: 1 variant allele.
Comment: The c.427G>A, p.(Gly143Arg) variant has been reported as a variant of germline/unknown origin.

Literature cited by the submitters: PubMed 30744660 (cited by Institute of Human Genetics, FAU Erlangen, Friedrich-Alexander-Universität Erlangen-Nürnberg); DOI 10.1101/427948 (cited by Institute of Human Genetics, FAU Erlangen, Friedrich-Alexander-Universität Erlangen-Nürnberg).

NM_006009.4(TUBA1A):c.427G>A (p.Gly143Arg)

Gene: TUBA1A (tubulin alpha 1a; minus strand). Cytogenetic location: 12q13.12.
Variant type: single nucleotide variant.
Coding change: c.427G>A on transcript NM_006009.4 (MANE Select); coding-DNA position 427, G replaced by A.
Protein change: p.Gly143Arg; replaces glycine 143 with arginine.
Molecular consequence: missense variant.
Genome position (GRCh38, 1-based): chr12:49,185,939, C>T on the plus strand (G>A on the coding strand, the complement: TUBA1A is on the minus strand). VCF-style: chr12-49185939-C-T. GRCh37 (hg19) VCF-style: chr12-49579722-C-T.
Other names: c.427G>A, p.Gly143Arg (NM_001270399.2); c.322G>A, p.Gly108Arg (NM_001270400.2); short protein forms G143R, G108R.
Identifiers: ClinVar variation 429321 (VCV000429321.10), dbSNP rs1131691318, ClinGen allele CA384642677.